The following is an entry in ClinVar:

ClinVar aggregate classification (germline): Conflicting classifications of pathogenicity. Review status: criteria provided, conflicting classifications (1 of 4 stars). 2 submissions from 2 submitters: Uncertain significance (1); Likely benign (1). Last evaluated 2025-09-13.

Conditions:
Hereditary cancer-predisposing syndrome. Also called: Neoplastic Syndromes, Hereditary; Tumor predisposition; Hereditary Cancer Syndrome; Hereditary neoplastic syndrome. Identifiers: Orphanet 140162, MedGen C0027672, MeSH D009386, MONDO:0015356.
Cardiovascular phenotype. Identifiers: MedGen CN230736.

gnomAD v4.1: 5 of 1,613,832 alleles (0.00031%); highest among the groups gnomAD compares: Non-Finnish European, 0.00034%; no homozygotes.

Submissions (2):

Labcorp Genetics (formerly Invitae), Labcorp
Classification: Likely benign. Last evaluated: 2025-09-13. Review status: criteria provided, single submitter. Criteria: Invitae Variant Classification Sherloc (09022015). Collection method: clinical testing. Allele origin: germline.

Ambry Genetics
Classification: Uncertain significance for Cardiovascular phenotype; Hereditary cancer-predisposing syndrome. Last evaluated: 2025-07-14. Review status: criteria provided, single submitter. Criteria: Ambry Variant Classification Scheme 2023. Collection method: clinical testing. Allele origin: germline.
Comment: The c.345G>C variant (also known as p.P115P), located in coding exon 4 of the LZTR1 gene, results from a G to C substitution at nucleotide position 345. This nucleotide substitution does not change the amino acid at codon 115. This nucleotide position is poorly conserved in available vertebrate species. In silico splice site analysis predicts that this alteration will not have any significant effect on splicing. However, RNA studies demonstrate that this alteration results in an incomplete splice defect, although the clinical impact of this abnormal splicing is unclear at this time (Ambry internal data). Based on the available evidence, the clinical significance of this variant remains unclear.

NM_006767.4(LZTR1):c.345G>C (p.Pro115=)

Gene: LZTR1 (leucine zipper like post translational regulator 1; plus strand). Cytogenetic location: 22q11.21.
Variant type: single nucleotide variant.
Coding change: c.345G>C on transcript NM_006767.4 (MANE Select); coding-DNA position 345, G replaced by C.
Protein change: p.Pro115=; no amino-acid change (proline 115 retained).
Molecular consequence: synonymous variant.
Genome position (GRCh38, 1-based): chr22:20,987,528, G>C. VCF-style: chr22-20987528-G-C. GRCh37 (hg19) VCF-style: chr22-21341817-G-C.
Identifiers: ClinVar variation 1731632 (VCV001731632.8), dbSNP rs374685632, ClinGen allele CA513489129.
Genomic context (GRCh38, chr22:20,987,528, plus strand): 5'-CCCCGCTGACTCTCACCACCCCTGTGCCCACCCCAGGGCCTTTACCACTGGGACCCCACC[G>C]GCCCCCCGTTACCACCACTCGGCCGTCGTCTATGGGAGCAGCATGTTTGTCTTTGGTAAG-3'
Protein context (NP_006758.2, residues 105-125): WCRAFTTGTP[Pro115=]APRYHHSAVV